The following is an entry in ClinVar:

NM_021942.6(TRAPPC11):c.948T>G (p.Asp316Glu)

Gene: TRAPPC11 (trafficking protein particle complex subunit 11; plus strand). Cytogenetic location: 4q35.1.
Variant type: single nucleotide variant.
Coding change: c.948T>G on transcript NM_021942.6 (MANE Select); coding-DNA position 948, T replaced by G.
Protein change: p.Asp316Glu; replaces aspartic acid 316 with glutamic acid.
Molecular consequence: missense variant.
Genome position (GRCh38, 1-based): chr4:183,679,469, T>G. VCF-style: chr4-183679469-T-G. GRCh37 (hg19) VCF-style: chr4-184600622-T-G.
Other names: c.948T>G, p.Asp316Glu (NM_199053.3); short protein forms D316E.
Identifiers: ClinVar variation 1004942 (VCV001004942.9), dbSNP rs1327422485, ClinGen allele CA358862463.
Genomic context (GRCh38, chr4:183,679,469, plus strand): 5'-AAAACACATCGACTTGTGTAAGAAAAAGATTGGAAGTGCAGAGCTGTCTTTTGAGCATGA[T>G]GCATGGATGTCTAAACAGTATGTTTTACATTGTCCTTTTAGAATTTTTTAAAAATGATAC-3'
Protein context (NP_068761.4, residues 306-326): IGSAELSFEH[Asp316Glu]AWMSKQFQAF

ClinVar aggregate classification (germline): Uncertain significance (1 of 4 stars; one submission).

Conditions:
Autosomal recessive limb-girdle muscular dystrophy type R18 (LGMDR18). Also called: MUSCULAR DYSTROPHY, LIMB-GIRDLE, AUTOSOMAL RECESSIVE 18; Autosomal recessive limb-girdle muscular dystrophy type 2S; Limb-girdle muscular dystrophy, type 2S. Identifiers: Orphanet 369840, MedGen C4517996, MONDO:0014144, OMIM 615356.

Allele frequency attached by ClinVar (database versions not stated): gnomAD exomes below 0.00001 and 0.00001; gnomAD 0.00002; TOPMed 0.00002.
gnomAD v4.1: 18 of 1,610,416 alleles (0.0011%); highest among the groups gnomAD compares: Non-Finnish European, 0.0015%; no homozygotes.

Submission:

Labcorp Genetics (formerly Invitae), Labcorp
Classification: Uncertain significance for Autosomal recessive limb-girdle muscular dystrophy type R18. Last evaluated: 2020-04-30. Review status: criteria provided, single submitter. Criteria: Invitae Variant Classification Sherloc (09022015). Collection method: clinical testing. Allele origin: germline.
Comment: This variant has not been reported in the literature in individuals with TRAPPC11-related conditions. This variant is not present in population databases (ExAC no frequency). This sequence change replaces aspartic acid with glutamic acid at codon 316 of the TRAPPC11 protein (p.Asp316Glu). The aspartic acid residue is weakly conserved and there is a small physicochemical difference between aspartic acid and glutamic acid. Algorithms developed to predict the effect of missense changes on protein structure and function (SIFT, PolyPhen-2, Align-GVGD) all suggest that this variant is likely to be tolerated, but these predictions have not been confirmed by published functional studies and their clinical significance is uncertain. In summary, the available evidence is currently insufficient to determine the role of this variant in disease. Therefore, it has been classified as a Variant of Uncertain Significance.